The following is an entry in ClinVar:

ClinVar aggregate classification (germline): Benign. Review status: criteria provided, multiple submitters, no conflicts (2 of 4 stars). 10 submissions from 10 submitters: Benign (8). 2 of the submissions do not count toward it. Last evaluated 2026-02-04.

Conditions:
POLD1-related polyposis and colorectal cancer syndrome (CRCS10). Also called: Colorectal cancer, susceptibility to, 10; Colorectal cancer 10; COLORECTAL CANCER, SUSCEPTIBILITY TO, ON CHROMOSOME 19q. Identifiers: Orphanet 220460, MedGen C2675481, MONDO:0012953, OMIM 612591.
Hereditary cancer-predisposing syndrome. Also called: Neoplastic Syndromes, Hereditary; Hereditary neoplastic syndrome; Hereditary Cancer Syndrome; Tumor predisposition. Identifiers: Orphanet 140162, MedGen C0027672, MeSH D009386, MONDO:0015356.

Allele frequency attached by ClinVar (database versions not stated): gnomAD exomes 0.03065; ExAC 0.07638; gnomAD 0.08915 and 0.09350; TOPMed 0.09899; 1000 Genomes Project 0.10843; ESP Exome Variant Server 0.09353; 1000 Genomes Project 30x 0.11196.
gnomAD v4.1: 33,384 of 1,580,788 alleles (2.1%); highest among the groups gnomAD compares: African/African-American, 29%; 3,586 homozygotes.

Submissions (10):

Labcorp Genetics (formerly Invitae), Labcorp
Classification: Benign for POLD1-related polyposis and colorectal cancer syndrome. Last evaluated: 2026-02-04. Review status: criteria provided, single submitter. Criteria: Invitae Variant Classification Sherloc (09022015). Collection method: clinical testing. Allele origin: germline.

Center for Genomic Medicine, Rigshospitalet, Copenhagen University Hospital
Classification: Benign. Last evaluated: 2025-03-04. Review status: criteria provided, single submitter. Criteria: ACMG Guidelines, 2015. Collection method: clinical testing. Allele origin: germline.

KCCC/NGS Laboratory, Kuwait Cancer Control Center
Classification: Benign for POLD1-related polyposis and colorectal cancer syndrome. Last evaluated: 2023-07-07. Review status: criteria provided, single submitter. Criteria: ACMG Guidelines, 2015. Collection method: clinical testing. Allele origin: germline. Affected: yes.

PreventionGenetics, part of Exact Sciences
Classification: Benign. Last evaluated: 2016-11-02. Review status: criteria provided, single submitter. Criteria: ACMG Guidelines, 2015. Collection method: clinical testing. Allele origin: germline.

Women's Health and Genetics/Laboratory Corporation of America, LabCorp
Classification: Benign. Last evaluated: 2016-05-16. Review status: criteria provided, single submitter. Criteria: LabCorp Variant Classification Summary - May 2015. Collection method: clinical testing. Allele origin: germline.
Comment: Variant summary: The POLD1 c.3121-19C>T variant involves the alteration of a non-conserved intronic nucleotide. One in silico tool predicts a benign outcome for this variant. 4/5 splice prediction tools predict no significant impact on normal splicing. However, these predictions have yet to be confirmed by functional studies. This variant was found in 2587/33868 control chromosomes (272 homozygotes) at a frequency of 0.0763848, which is approximately 5377 times the estimated maximal expected allele frequency of a pathogenic POLD1 variant (0.0000142), suggesting this variant is likely a benign polymorphism. Taken together, this variant is classified as benign.

GeneDx
Classification: Benign. Last evaluated: 2015-11-06. Review status: criteria provided, single submitter. Criteria: GeneDx Variant Classification (06012015). Collection method: clinical testing. Allele origin: germline. Affected: yes.
Comment: This variant is considered likely benign or benign based on one or more of the following criteria: it is a conservative change, it occurs at a poorly conserved position in the protein, it is predicted to be benign by multiple in silico algorithms, and/or has population frequency not consistent with disease.

Ambry Genetics
Classification: Benign for Hereditary cancer-predisposing syndrome. Last evaluated: 2015-05-21. Review status: criteria provided, single submitter. Criteria: Ambry Variant Classification Scheme 2023. Collection method: clinical testing. Allele origin: germline.

Breakthrough Genomics
Classification: Benign. Review status: criteria provided, single submitter. Criteria: ACMG Guidelines, 2015. Collection method: not provided. Allele origin: germline. Inheritance: Autosomal dominant inheritance. Affected: yes.

Clinical Genetics, Academic Medical Center
Classification: Benign. Review status: no assertion criteria provided. Collection method: clinical testing. Allele origin: germline. Affected: yes. Study: VKGL Data-share Consensus. Not counted in ClinVar's aggregate classification.

Laboratory of Diagnostic Genome Analysis, Leiden University Medical Center (LUMC)
Classification: Benign. Review status: no assertion criteria provided. Collection method: clinical testing. Allele origin: germline. Affected: yes. Study: VKGL Data-share Consensus. Not counted in ClinVar's aggregate classification.

NM_002691.4(POLD1):c.3121-19C>T

Gene: POLD1 (DNA polymerase delta 1, catalytic subunit; plus strand). Cytogenetic location: 19q13.33.
Variant type: single nucleotide variant.
Coding change: c.3121-19C>T on transcript NM_002691.4 (MANE Select); 19 bases into the intron before coding-DNA position 3121, C replaced by T.
Molecular consequence: intron variant.
Genome position (GRCh38, 1-based): chr19:50,417,153, C>T. VCF-style: chr19-50417153-C-T. GRCh37 (hg19) VCF-style: chr19-50920410-C-T.
Other names: c.3199-19C>T (LRG_785t2, NM_001308632.1); c.3121-19C>T (LRG_785t1, NM_001256849.1).
Identifiers: ClinVar variation 380229 (VCV000380229.22), dbSNP rs3212330, ClinGen allele CA9596764.
Genomic context (GRCh38, chr19:50,417,153, plus strand): 5'-AGGAGGTGAGAGGGCCGGGAGGTGAGGAGGGGCCAGGTGGGGAGGCGGGGGCGCCCTGCT[C>T]AGCCGCTGCCGTCCCCAGGTATCCCATCTGAATGCCCTGGAGGAGCGCTTCTCGCGCCTC-3'